The following is an entry in ClinVar:

ClinVar aggregate classification (germline): Uncertain significance (1 of 4 stars; one submission).

Conditions:
Peutz-Jeghers syndrome (PJS). Also called: POLYPOSIS, HAMARTOMATOUS INTESTINAL; POLYPS-AND-SPOTS SYNDROME; Peutz-Jeghers polyposis; Periorificial lentiginosis syndrome. Identifiers: Orphanet 2869, MedGen C0031269, MeSH D010580, MONDO:0008280, OMIM 175200.

Submission:

Labcorp Genetics (formerly Invitae), Labcorp
Classification: Uncertain significance for Peutz-Jeghers syndrome. Last evaluated: 2023-10-13. Review status: criteria provided, single submitter. Criteria: Invitae Variant Classification Sherloc (09022015). Collection method: clinical testing. Allele origin: germline.
Comment: This sequence change replaces isoleucine, which is neutral and non-polar, with asparagine, which is neutral and polar, at codon 46 of the STK11 protein (p.Ile46Asn). This variant is not present in population databases (gnomAD no frequency). This variant has not been reported in the literature in individuals affected with STK11-related conditions. Advanced modeling of protein sequence and biophysical properties (such as structural, functional, and spatial information, amino acid conservation, physicochemical variation, residue mobility, and thermodynamic stability) performed at Invitae indicates that this missense variant is expected to disrupt STK11 protein function. In summary, the available evidence is currently insufficient to determine the role of this variant in disease. Therefore, it has been classified as a Variant of Uncertain Significance.

NM_000455.5(STK11):c.137T>A (p.Ile46Asn)

Gene: STK11 (serine/threonine kinase 11; plus strand). Cytogenetic location: 19p13.3.
Variant type: single nucleotide variant.
Coding change: c.137T>A on transcript NM_000455.5 (MANE Select); coding-DNA position 137, T replaced by A.
Protein change: p.Ile46Asn; replaces isoleucine 46 with asparagine.
Molecular consequence: missense variant. On other transcripts: non-coding transcript variant (1).
Genome position (GRCh38, 1-based): chr19:1,207,050, T>A. VCF-style: chr19-1207050-T-A. GRCh37 (hg19) VCF-style: chr19-1207049-T-A.
Other names: c.137T>A, p.Ile46Asn (NM_001407255.1); short protein forms I46N.
Identifiers: ClinVar variation 2767860 (VCV002767860.3), dbSNP rs2145405088, ClinGen allele CA402944025.